The following is an entry in ClinVar:

ClinVar aggregate classification (germline): Pathogenic/Likely pathogenic. Review status: criteria provided, multiple submitters, no conflicts (2 of 4 stars). 3 submissions from 3 submitters: Pathogenic (2); Likely pathogenic (1). Last evaluated 2026-03-01.

Conditions:
OTOG-related disorder. Also called: OTOG-related condition.

Allele frequency attached by ClinVar (database versions not stated): gnomAD exomes 0.00002 and 0.00006; gnomAD 0.00003.
gnomAD v4.1: 82 of 1,549,032 alleles (0.0053%); highest among the groups gnomAD compares: Non-Finnish European, 0.0071%; no homozygotes.

Submissions (3):

CeGaT Center for Human Genetics Tuebingen
Classification: Pathogenic. Last evaluated: 2026-03-01. Review status: criteria provided, single submitter. Criteria: CeGaT Center For Human Genetics Tuebingen Variant Classification Criteria Version 2. Collection method: clinical testing. Allele origin: germline. Affected: yes. Observed: 3 variant alleles.
Comment: OTOG: PVS1, PM2, PM3

Labcorp Genetics (formerly Invitae), Labcorp
Classification: Pathogenic. Last evaluated: 2024-12-14. Review status: criteria provided, single submitter. Criteria: Invitae Variant Classification Sherloc (09022015). Collection method: clinical testing. Allele origin: germline.
Comment: This sequence change creates a premature translational stop signal (p.Trp1074*) in the OTOG gene. It is expected to result in an absent or disrupted protein product. Loss-of-function variants in OTOG are known to be pathogenic (PMID: 23122587). This variant is present in population databases (rs766465200, gnomAD 0.006%). This variant has not been reported in the literature in individuals affected with OTOG-related conditions. ClinVar contains an entry for this variant (Variation ID: 1375022). For these reasons, this variant has been classified as Pathogenic.

Blueprint Genetics
Classification: Likely pathogenic for OTOG-related disorders. Last evaluated: 2023-07-26. Review status: criteria provided, single submitter. Criteria: ACMG Guidelines, 2015. Collection method: clinical testing. Allele origin: germline. Affected: yes. Observed: 4 variant alleles.

Literature cited by the submitters: PubMed 23122587 (cited by Labcorp Genetics (formerly Invitae), Labcorp).

NM_001292063.2(OTOG):c.3186G>A (p.Trp1062Ter)

Gene: OTOG (otogelin; plus strand). Cytogenetic location: 11p15.1.
Variant type: single nucleotide variant.
Coding change: c.3186G>A on transcript NM_001292063.2 (MANE Select); coding-DNA position 3186, G replaced by A.
Protein change: p.Trp1062Ter; replaces tryptophan 1062 with a stop codon.
Molecular consequence: nonsense.
Genome position (GRCh38, 1-based): chr11:17,593,654, G>A. VCF-style: chr11-17593654-G-A. GRCh37 (hg19) VCF-style: chr11-17615201-G-A.
Other names: c.3222G>A, p.Trp1074Ter (NM_001277269.2); short protein forms W1074*, W1062*.
Identifiers: ClinVar variation 1375022 (VCV001375022.14), dbSNP rs766465200, ClinGen allele CA218460242.